The following is an entry in ClinVar:

ClinVar aggregate classification (germline): Pathogenic (1 of 4 stars; one submission).

Conditions:
Autosomal recessive spinocerebellar ataxia 12. Also called: SPINOCEREBELLAR ATAXIA WITH MENTAL RETARDATION AND EPILEPSY. Identifiers: Orphanet 284282, MedGen C3280452, MONDO:0013687, OMIM 614322.
Developmental and epileptic encephalopathy, 1 (DEE1). Also called: X-linked infantile spasms; West's syndrome; Tonic spasms with clustering, arrest of psychomotor development and hypsarrhythmia on EEG; X-Linked Infantile Spasm Syndrome; OHTAHARA SYNDROME, X-LINKED; INFANTILE SPASM SYNDROME, X-LINKED 1. Identifiers: MedGen C3463992, MONDO:0010632, OMIM 308350. Disease mechanism: loss of function.

Submission:

Labcorp Genetics (formerly Invitae), Labcorp
Classification: Pathogenic for Developmental and epileptic encephalopathy, 1; Autosomal recessive spinocerebellar ataxia 12. Last evaluated: 2023-11-02. Review status: criteria provided, single submitter. Criteria: Invitae Variant Classification Sherloc (09022015). Collection method: clinical testing. Allele origin: germline.
Comment: This variant is a gross deletion of the genomic region encompassing exon(s) 5 of the WWOX gene. This deletion is out-of-frame, and is expected to create a premature termination codon and result in an absent or disrupted protein product. Loss-of-function variants in WWOX are known to be pathogenic (PMID: 24456803, 25411445). A similar copy number variant has been observed in individual(s) with early epilepsy, intellectual disability and optic atrophy (PMID: 25403906). For these reasons, this variant has been classified as Pathogenic.

Literature cited by the submitters: PubMed 24456803; PubMed 25411445; PubMed 25403906.

NC_000016.10:g.(?_78164163)_(78164309_?)del

Gene: WWOX (WW domain containing oxidoreductase; plus strand). Cytogenetic location: 16q23.1.
Variant type: Deletion.
Identifiers: ClinVar variation 584160 (VCV000584160.10).